The following is an entry in ClinVar:

NM_004628.5(XPC):c.*618A>G

Gene: XPC (XPC complex subunit, DNA damage recognition and repair factor; minus strand). Cytogenetic location: 3p25.1.
Variant type: single nucleotide variant.
Coding change: c.*618A>G on transcript NM_004628.5 (MANE Select); 618 bases downstream of the stop codon, A replaced by G.
Molecular consequence: 3 prime UTR variant. On other transcripts: non-coding transcript variant (2).
Genome position (GRCh38, 1-based): chr3:14,145,323, T>C on the plus strand (A>G on the coding strand, the complement: XPC is on the minus strand). VCF-style: chr3-14145323-T-C. GRCh37 (hg19) VCF-style: chr3-14186823-T-C.
Other names: c.*618A>G (NM_001354730.2, NM_001354726.2, NM_001354727.2 and 1 more transcripts).
Identifiers: ClinVar variation 343551 (VCV000343551.7), dbSNP rs2470458, ClinGen allele CA2266956.

ClinVar aggregate classification (germline): Benign/Likely benign. Review status: criteria provided, multiple submitters, no conflicts (2 of 4 stars). 2 submissions from 2 submitters: Benign (1); Likely benign (1). Last evaluated 2018-01-12.

Conditions:
Xeroderma pigmentosum, group C (XPC). Also called: Xeroderma pigmentosum, complementation group C; XERODERMA PIGMENTOSUM III; XP, GROUP C; XPC-Related Xeroderma Pigmentosum. Identifiers: Orphanet 910, MedGen C2752147, MONDO:0010211, OMIM 278720.

Allele frequency attached by ClinVar (database versions not stated): 1000 Genomes Project 0.10783; 1000 Genomes Project 30x 0.11071; ExAC 0.12879; gnomAD exomes 0.15157 and 0.17462; TOPMed 0.15737; gnomAD 0.16470 and 0.16965.
gnomAD v4.1: 120,513 of 696,988 alleles (17%); highest among the groups gnomAD compares: Non-Finnish European, 21%; 12,019 homozygotes.

Submissions (2):

Illumina Laboratory Services, Illumina
Classification: Benign for Xeroderma pigmentosum, group C. Last evaluated: 2018-01-12. Review status: criteria provided, single submitter. Criteria: ICSL Variant Classification Criteria 13 December 2019. Collection method: clinical testing. Allele origin: germline.
Comment: This variant was observed in the ICSL laboratory as part of a predisposition screen in an ostensibly healthy population. It had not been previously curated by ICSL or reported in the Human Gene Mutation Database (HGMD: prior to June 1st, 2018), and was therefore a candidate for classification through an automated scoring system. Utilizing variant allele frequency, disease prevalence and penetrance estimates, and inheritance mode, an automated score was calculated to assess if this variant is too frequent to cause the disease. Based on the score and internal cut-off values, a variant classified as benign is not then subjected to further curation. The score for this variant resulted in a classification of benign for this disease.

Breakthrough Genomics
Classification: Likely benign. Review status: criteria provided, single submitter. Criteria: ACMG Guidelines, 2015. Collection method: not provided. Allele origin: germline. Inheritance: Autosomal recessive inheritance. Affected: yes.